The following is an entry in ClinVar:

NM_006416.5(SLC35A1):c.475C>T (p.Gln159Ter)

Gene: SLC35A1 (solute carrier family 35 member A1; plus strand). Cytogenetic location: 6q15.
Variant type: single nucleotide variant.
Coding change: c.475C>T on transcript NM_006416.5 (MANE Select); coding-DNA position 475, C replaced by T.
Protein change: p.Gln159Ter; replaces glutamine 159 with a stop codon.
Molecular consequence: nonsense.
Genome position (GRCh38, 1-based): chr6:87,501,278, C>T. VCF-style: chr6-87501278-C-T. GRCh37 (hg19) VCF-style: chr6-88210996-C-T.
Other names: c.475C>T, p.Gln159Ter (NM_001168398.2); short protein forms Q159*.
Identifiers: ClinVar variation 1938456 (VCV001938456.5), dbSNP rs2482849039, ClinGen allele CA364936225.
Genomic context (GRCh38, chr6:87,501,278, plus strand): 5'-ACACTCAGCAAATTACAGTGGGTTTCAGTTTTTATGCTGTGTGCTGGAGTTACGCTTGTA[C>T]AGTGGAAACCAGCCCAAGCTACAAAAGTGGTGGTAAGAAACAAAATGCACACCATAACTT-3'

ClinVar aggregate classification (germline): Uncertain significance (1 of 4 stars; one submission).

Conditions:
SLC35A1-congenital disorder of glycosylation. Also called: CDG IIf; CONGENITAL DISORDER OF GLYCOSYLATION, TYPE IIf; SLC35A1-CDG. Identifiers: Orphanet 238459, MedGen C1970344, MONDO:0011342, OMIM 603585.

gnomAD v4.1: 1 of 1,614,020 alleles (0.000062%); highest among the groups gnomAD compares: Admixed American, 0.0017%; no homozygotes.

Submission:

Labcorp Genetics (formerly Invitae), Labcorp
Classification: Uncertain significance for SLC35A1-congenital disorder of glycosylation. Last evaluated: 2024-11-05. Review status: criteria provided, single submitter. Criteria: Invitae Variant Classification Sherloc (09022015). Collection method: clinical testing. Allele origin: germline.
Comment: This sequence change creates a premature translational stop signal (p.Gln159*) in the SLC35A1 gene. It is expected to result in an absent or disrupted protein product. However, the current clinical and genetic evidence is not sufficient to establish whether loss-of-function variants in SLC35A1 cause disease. This variant is not present in population databases (gnomAD no frequency). This variant has not been reported in the literature in individuals affected with SLC35A1-related conditions. ClinVar contains an entry for this variant (Variation ID: 1938456). In summary, the available evidence is currently insufficient to determine the role of this variant in disease. Therefore, it has been classified as a Variant of Uncertain Significance.